The following is an entry in ClinVar:

NM_018206.6(VPS35):c.993G>T (p.Gln331His)

Gene: VPS35 (VPS35 retromer complex component; minus strand). Cytogenetic location: 16q11.2.
Variant type: single nucleotide variant.
Coding change: c.993G>T on transcript NM_018206.6 (MANE Select); coding-DNA position 993, G replaced by T.
Protein change: p.Gln331His; replaces glutamine 331 with histidine.
Molecular consequence: missense variant.
Genome position (GRCh38, 1-based): chr16:46,674,582, C>A on the plus strand (G>T on the coding strand, the complement: VPS35 is on the minus strand). VCF-style: chr16-46674582-C-A. GRCh37 (hg19) VCF-style: chr16-46708494-C-A.
Other names: short protein forms Q331H.
Identifiers: ClinVar variation 961428 (VCV000961428.10), dbSNP rs1483697832, ClinGen allele CA395810384.
Genomic context (GRCh38, chr16:46,674,582, plus strand): 5'-AGTTTCAAAGTTTTGAGAACTTAGGAGAAATGCTACACAAACCTGTATCACTGTAGCCAC[C>A]TGCTGTGAAAATATATCAAAAAGTTTAATATCCGCTGGGATTCCAGGTCCATCTTCACGG-3'
Protein context (NP_060676.2, residues 321-341): DIKLFDIFSQ[Gln331His]VATVIQSRQD

ClinVar aggregate classification (germline): Uncertain significance (1 of 4 stars; one submission).

Conditions:
Parkinson disease 17 (PARK17). Also called: VPS35-Related Parkinson Disease. Identifiers: Orphanet 411602, MedGen C3280133, MONDO:0013625, OMIM 614203.

Allele frequency attached by ClinVar (database versions not stated): gnomAD exomes below 0.00001.
gnomAD v4.1: 2 of 1,611,666 alleles (0.00012%); highest among the groups gnomAD compares: Non-Finnish European, 0.00017%; no homozygotes.

Submission:

Labcorp Genetics (formerly Invitae), Labcorp
Classification: Uncertain significance for Parkinson disease 17. Last evaluated: 2024-05-20. Review status: criteria provided, single submitter. Criteria: Invitae Variant Classification Sherloc (09022015). Collection method: clinical testing. Allele origin: germline.
Comment: This sequence change replaces glutamine, which is neutral and polar, with histidine, which is basic and polar, at codon 331 of the VPS35 protein (p.Gln331His). The frequency data for this variant in the population databases is considered unreliable, as metrics indicate poor data quality at this position in the gnomAD database. This variant has not been reported in the literature in individuals affected with VPS35-related conditions. ClinVar contains an entry for this variant (Variation ID: 961428). Advanced modeling of protein sequence and biophysical properties (such as structural, functional, and spatial information, amino acid conservation, physicochemical variation, residue mobility, and thermodynamic stability) performed at Invitae indicates that this missense variant is not expected to disrupt VPS35 protein function with a negative predictive value of 80%. In summary, the available evidence is currently insufficient to determine the role of this variant in disease. Therefore, it has been classified as a Variant of Uncertain Significance.